The following is an entry in ClinVar:

ClinVar aggregate classification (germline): Pathogenic. Review status: criteria provided, multiple submitters, no conflicts (2 of 4 stars). 3 submissions from 3 submitters: Pathogenic (3). Last evaluated 2025-07-28.

Conditions:
Cardiovascular phenotype. Identifiers: MedGen CN230736.
Hereditary cancer-predisposing syndrome. Also called: Hereditary neoplastic syndrome; Hereditary Cancer Syndrome; Neoplastic Syndromes, Hereditary; Tumor predisposition. Identifiers: Orphanet 140162, MedGen C0027672, MeSH D009386, MONDO:0015356.
Neurofibromatosis, type 1 (NF1). Also called: Neurofibromatosis, type I; Peripheral type neurofibromatosis; VON RECKLINGHAUSEN DISEASE; NEUROFIBROMATOSIS, TYPE I, SOMATIC. Identifiers: Orphanet 636, MedGen C0027831, MONDO:0018975, OMIM 162200. Disease mechanism: loss of function.

Submissions (3):

Ambry Genetics
Classification: Pathogenic for Cardiovascular phenotype; Hereditary cancer-predisposing syndrome. Last evaluated: 2025-07-28. Review status: criteria provided, single submitter. Criteria: Ambry Variant Classification Scheme 2023. Collection method: clinical testing. Allele origin: germline.
Comment: The p.S2136* pathogenic mutation (also known as c.6407C>G), located in coding exon 42 of the NF1 gene, results from a C to G substitution at nucleotide position 6407. This changes the amino acid from a serine to a stop codon within coding exon 42. This variant was reported in individual(s) with features consistent with neurofibromatosis type 1 (Sabbagh A et al. Hum Mutat, 2013 Nov;34:1510-8; Ambry internal data). This variant is considered to be rare based on population cohorts in the Genome Aggregation Database (gnomAD). This alteration is expected to result in loss of function by premature protein truncation or nonsense-mediated mRNA decay. As such, this alteration is interpreted as a disease-causing mutation.

3billion
Classification: Pathogenic for Neurofibromatosis, type 1. Last evaluated: 2024-11-20. Review status: criteria provided, single submitter. Criteria: ACMG Guidelines, 2015. Collection method: clinical testing. Allele origin: germline. Affected: yes.
Comment: The variant is not observed in the gnomAD v4.1.0 dataset. Predicted Consequence/Location: Stop-gained (nonsense): predicted to result in a loss or disruption of normal protein function through nonsense-mediated decay (NMD) or protein truncation. Multiple pathogenic variants are reported downstream of the variant. The variant has been reported to be associated with NF1 related disorder (ClinVar ID: VCV002736569 /PMID: 23913538). Therefore, this variant is classified as Pathogenic according to the recommendation of ACMG/AMP guideline.

Labcorp Genetics (formerly Invitae), Labcorp
Classification: Pathogenic for Neurofibromatosis, type 1. Last evaluated: 2023-11-20. Review status: criteria provided, single submitter. Criteria: Invitae Variant Classification Sherloc (09022015). Collection method: clinical testing. Allele origin: germline.
Comment: This sequence change creates a premature translational stop signal (p.Ser2136*) in the NF1 gene. It is expected to result in an absent or disrupted protein product. Loss-of-function variants in NF1 are known to be pathogenic (PMID: 10712197, 23913538). This variant is not present in population databases (gnomAD no frequency). This premature translational stop signal has been observed in individual(s) with neurofibromatosis type 1 (PMID: 23913538). For these reasons, this variant has been classified as Pathogenic.

Literature cited by the submitters: PubMed 23913538 (cited by 3 submitters); PubMed 10712197 (cited by Labcorp Genetics (formerly Invitae), Labcorp).

NM_001042492.3(NF1):c.6470C>G (p.Ser2157Ter)

Gene: NF1 (neurofibromin 1; plus strand). Cytogenetic location: 17q11.2.
Variant type: single nucleotide variant.
Coding change: c.6470C>G on transcript NM_001042492.3 (MANE Select); coding-DNA position 6470, C replaced by G.
Protein change: p.Ser2157Ter; replaces serine 2157 with a stop codon.
Molecular consequence: nonsense.
Genome position (GRCh38, 1-based): chr17:31,337,410, C>G. VCF-style: chr17-31337410-C-G. GRCh37 (hg19) VCF-style: chr17-29664428-C-G.
Other names: c.6407C>G, p.Ser2136Ter (NM_000267.4); short protein forms S2136*, S2157*.
Identifiers: ClinVar variation 2736569 (VCV002736569.5), dbSNP rs774161532, ClinGen allele CA399013080.
Genomic context (GRCh38, chr17:31,337,410, plus strand): 5'-TCCTTTATTCTCTTACAGAAGAGACCAAGCAAGTTTTGAGACTCAGTCTGACAGAGTTCT[C>G]ATTACCCAAATTTTACTTGCTGTTTGGCATTAGCAAAGTCAAGTCAGCTGCTGTCATTGC-3'